The following is an entry in ClinVar:

NM_001277115.2(DNAH11):c.546T>A (p.Cys182Ter)

Gene: DNAH11 (dynein axonemal heavy chain 11; plus strand). Cytogenetic location: 7p15.3.
Variant type: single nucleotide variant.
Coding change: c.546T>A on transcript NM_001277115.2 (MANE Select); coding-DNA position 546, T replaced by A.
Protein change: p.Cys182Ter; replaces cysteine 182 with a stop codon.
Molecular consequence: nonsense.
Genome position (GRCh38, 1-based): chr7:21,558,852, T>A. VCF-style: chr7-21558852-T-A. GRCh37 (hg19) VCF-style: chr7-21598470-T-A.
Other names: short protein forms C182*.
Identifiers: ClinVar variation 454685 (VCV000454685.7), dbSNP rs1554309352, ClinGen allele CA366932352.
Genomic context (GRCh38, chr7:21,558,852, plus strand): 5'-CTTTCTCTAGATTTTAGTGCCAGTTCTTTCTAATAAGAACAACCATAAGTCCTGGTCCTG[T>A]TTTACTTCACAAGATATGGAATATCACATAGAAGTCATGAAAAAGAAGATGTATATTTTT-3'

ClinVar aggregate classification (germline): Pathogenic (1 of 4 stars; one submission).

Conditions:
Primary ciliary dyskinesia. Also called: Ciliary dyskinesia. Identifiers: Orphanet 244, MedGen C0008780, MONDO:0016575, HP:0012265.

Submission:

Labcorp Genetics (formerly Invitae), Labcorp
Classification: Pathogenic for Primary ciliary dyskinesia. Last evaluated: 2017-07-16. Review status: criteria provided, single submitter. Criteria: Invitae Variant Classification Sherloc (09022015). Collection method: clinical testing. Allele origin: germline.
Comment: This sequence change creates a premature translational stop signal (p.Cys182*) in the DNAH11 gene. It is expected to result in an absent or disrupted protein product. For these reasons, this variant has been classified as Pathogenic. Loss-of-function variants in DNAH11 are known to be pathogenic (PMID: 18022865, 20513915, 22184204). This variant has not been reported in the literature in individuals with DNAH11-related disease. This variant is not present in population databases (ExAC no frequency).

Literature cited by the submitters: PubMed 18022865; PubMed 20513915; PubMed 22184204.